The following is an entry in ClinVar:

NM_018896.5(CACNA1G):c.5144G>A (p.Arg1715His)

Gene: CACNA1G (calcium voltage-gated channel subunit alpha1 G; plus strand). Cytogenetic location: 17q21.33.
Variant type: single nucleotide variant.
Coding change: c.5144G>A on transcript NM_018896.5 (MANE Select); coding-DNA position 5144, G replaced by A.
Protein change: p.Arg1715His; replaces arginine 1715 with histidine.
Molecular consequence: missense variant. On other transcripts: non-coding transcript variant (5).
Genome position (GRCh38, 1-based): chr17:50,617,560, G>A. VCF-style: chr17-50617560-G-A. GRCh37 (hg19) VCF-style: chr17-48694921-G-A.
Other names: c.5090G>A, p.Arg1697His (NM_001256324.2, NM_001256328.2, NM_198386.3); c.5165G>A, p.Arg1722His (NM_001256325.2); c.5009G>A, p.Arg1670His (NM_001256326.2, NM_001256330.2); c.5144G>A, p.Arg1715His (NM_001256327.2, NM_001256333.2, NM_198384.3 and 1 more transcripts); c.5042G>A, p.Arg1681His (NM_001256329.2, NM_198376.3, NM_198379.3 and 2 more transcripts); c.4988G>A, p.Arg1663His (NM_001256331.2); c.4973G>A, p.Arg1658His (NM_001256332.2); c.5111G>A, p.Arg1704His (NM_001256334.2, NM_198377.3, NM_198378.3 and 1 more transcripts); and 5 more; short protein forms R1715H, R1670H, R1681H, R1704H, R1677H, R1688H, R1697H, R1663H.
Identifiers: ClinVar variation 221981 (VCV000221981.20), dbSNP rs755221106, ClinGen allele CA065184.
Genomic context (GRCh38, chr17:50,617,560, plus strand): 5'-TCGAGGTCAACGCCTCGCTGCCCATCAACCCCACCATCATCCGCATCATGAGGGTGCTGC[G>A]CATTGCCCGAGGTTGGTGCCCAGCCCACGCACCTGCCCTCCTAGGGTGACCAGCCCAGGG-3'
Protein context (NP_061496.2, residues 1705-1725): PTIIRIMRVL[Arg1715His]IARVLKLLKM

ClinVar aggregate classification (germline): Pathogenic/Likely pathogenic. Review status: criteria provided, multiple submitters, no conflicts (2 of 4 stars). 10 submissions from 10 submitters: Pathogenic (8); Likely pathogenic (1). 1 of the submissions does not count toward it. Last evaluated 2026-05-01.

Conditions:
Autosomal dominant CACNA1G-related disorders.
Spinocerebellar ataxia 42, early-onset, severe, with neurodevelopmental deficits. Identifiers: MedGen C4748120, MONDO:0060758, OMIM 618087.
Spinocerebellar ataxia type 42. Identifiers: Orphanet 458803, MedGen C4225205, MONDO:0014776, OMIM 616795.
CACNA1G-related disorder. Also called: CACNA1G-related disorders; CACNA1G-related condition.

Submissions (10):

CeGaT Center for Human Genetics Tuebingen
Classification: Pathogenic. Last evaluated: 2026-05-01. Review status: criteria provided, single submitter. Criteria: CeGaT Center For Human Genetics Tuebingen Variant Classification Criteria Version 2. Collection method: clinical testing. Allele origin: germline. Affected: yes. Observed: 1 variant allele.
Comment: CACNA1G: PP1:Strong, PS4, PM2, PP2, PP3, PS3:Supporting

Variantyx, Inc.
Classification: Likely pathogenic for Autosomal dominant CACNA1G-related disorders. Last evaluated: 2025-07-09. Review status: criteria provided, single submitter. Criteria: Variantyx Assertion Criteria 2022. Collection method: clinical testing. Allele origin: germline. Inheritance: Autosomal dominant inheritance. Affected: yes.
Comment: This is a nonsynonymous variant in the CACNA1G gene (OMIM: 604065). Pathogenic variants in this gene have been associated with autosomal dominant CACNA1G-related disorders. This variant has been reported in at least 7 unrelated affected individuals (PMID: 26715324, 29629410) (PS4_Moderate, and it has been observed to segregate with disease in at least 8 individuals from 3 families (PMID: 26715324, 29629410) (PP1_Moderate). Functional studies have shown that this variant alters CACNA1G protein function (PMID: 26456284, 26715324) (PS3_Moderate), and multiple computational algorithms predict a deleterious effect for this variant (REVEL score: 0.943) (PP3). This variant is absent from control populations (PM2). Based on the current evidence, this variant is classified as likely pathogenic for autosomal dominant CACNA1G-related disorders.

Blueprint Genetics
Classification: Pathogenic for CACNA1G-related disorders. Last evaluated: 2024-07-10. Review status: criteria provided, single submitter. Criteria: ACMG Guidelines, 2015. Collection method: clinical testing. Allele origin: germline. Affected: yes. Observed: 3 variant alleles.

GeneDx
Classification: Pathogenic. Last evaluated: 2022-05-13. Review status: criteria provided, single submitter. Criteria: GeneDx Variant Classification Process June 2021. Collection method: clinical testing. Allele origin: germline. Affected: yes.
Comment: Published functional studies demonstrate a damaging effect on membrane potential dependency (Coutelier et al., 2015; Morino et al., 2015); Not observed at significant frequency in large population cohorts (gnomAD); In silico analysis supports that this missense variant has a deleterious effect on protein structure/function; This variant is associated with the following publications: (PMID: 29915382, 34426522, 30200108, 29474447, 35054808, 29421541, 31892274, 30842224, 32878331, 32638069, 34248568, 31999455, 34220096, 33746731, 31229688, 33243296, 31836334, 28490766, 26715324, 33624863, 31692161, 26456284, 29629410, 33163565, 31217264)

Genetics and Molecular Pathology, SA Pathology
Classification: Pathogenic for Spinocerebellar ataxia type 42. Last evaluated: 2021-08-05. Review status: criteria provided, single submitter. Criteria: ACMG Guidelines, 2015. Collection method: clinical testing. Allele origin: germline. Inheritance: Autosomal dominant inheritance. Affected: yes.
Comment: The CACNA1G c. 5144G>A variant is classified as a PATHOGENIC variant (PS4, PS3, PP1_Strong, PP3, PP5) The variant is a single nucleotide change from a guanine to an adenine at position 5144 which is predicted to change the Arginine at position 1715 in the protein to Histidine. The variant is in exon 29 and is located in protein domains: ion transport domain, and Polycystin cation channel, of the CACNA1G gene. This variant is a recurrent pathogenic variant in the CACNA1G gene, and it has been previously reported in many individuals with Cerebellar ataxias in heterozygoys state (PMID: 26456284, 26715324, 28490766, 29629410) (PS4). This variant is in dbSNP (rs755221106) but is absent from population databases. In vitro functonal studies have demonstrated that this variant had resulted in a significant shift of the steady-state activation curve towards more positive membrane potential values, whereas the inactivation curve had a higher slope factor, supporting the damaging effect on the gene or gene product (PMID: 26456284, 26715324) (PS3). Multiple pedigrees of Cerebellar ataxia-affected families with this variant has been previously reported showing segregation of this variant with the disorder (PMID: PMID: 26456284, 26715324, 28490766, 29629410) (PP1_Strong). The variant has been reported in the ClinVar (Variation ID: 221981) and HGMD (Accession: CM1511857) as Pathogenic (PP5). Computational predictions support a deleterious effect on the gene or gene product (PP3).

Molecular Medicine for Neurodegenerative and Neuromuscular Diseases Unit, IRCCS Fondazione Stella Maris
Classification: Pathogenic for Spinocerebellar ataxia type 42. Last evaluated: 2021-01-04. Review status: criteria provided, single submitter. Criteria: ACMG Guidelines, 2015. Collection method: research. Allele origin: inherited. Affected: yes.

Institute of Medical Genetics and Applied Genomics, University Hospital Tübingen
Classification: Pathogenic. Last evaluated: 2020-10-23. Review status: criteria provided, single submitter. Criteria: ACMG Guidelines, 2015. Collection method: clinical testing. Allele origin: germline. Inheritance: Autosomal dominant inheritance. Affected: yes.

Fulgent Genetics
Classification: Pathogenic for Spinocerebellar ataxia type 42; Spinocerebellar ataxia 42, early-onset, severe, with neurodevelopmental deficits. Last evaluated: 2018-10-31. Review status: criteria provided, single submitter. Criteria: ACMG Guidelines, 2015. Collection method: clinical testing. Allele origin: unknown.

Genetic Services Laboratory, University of Chicago
Classification: Pathogenic for Spinocerebellar ataxia 42. Last evaluated: 2016-06-02. Review status: criteria provided, single submitter. Criteria: ACMG Guidelines, 2015. Collection method: clinical testing. Allele origin: germline. Affected: yes.

OMIM
Classification: Pathogenic for SPINOCEREBELLAR ATAXIA 42. Last evaluated: 2018-08-14. Review status: no assertion criteria provided. Collection method: literature only. Allele origin: germline. Not counted in ClinVar's aggregate classification.

Literature cited by the submitters: PubMed 26715324 (cited by 3 submitters); PubMed 29629410 (cited by Variantyx, Inc. and Genetics and Molecular Pathology, SA Pathology); PubMed 26456284 (cited by 3 submitters); PubMed 28490766 (cited by Genetics and Molecular Pathology, SA Pathology).